The following is an entry in ClinVar:

NM_000222.3(KIT):c.2855A>G (p.Asp952Gly)

Gene: KIT (KIT proto-oncogene, receptor tyrosine kinase; plus strand). Cytogenetic location: 4q12.
Variant type: single nucleotide variant.
Coding change: c.2855A>G on transcript NM_000222.3 (MANE Select); coding-DNA position 2855, A replaced by G.
Protein change: p.Asp952Gly; replaces aspartic acid 952 with glycine.
Molecular consequence: missense variant.
Genome position (GRCh38, 1-based): chr4:54,738,481, A>G. VCF-style: chr4-54738481-A-G. GRCh37 (hg19) VCF-style: chr4-55604647-A-G.
Other names: c.2843A>G, p.Asp948Gly (NM_001385292.1, NM_001093772.2); c.2858A>G, p.Asp953Gly (NM_001385284.1); c.2852A>G, p.Asp951Gly (NM_001385285.1); c.2840A>G, p.Asp947Gly (NM_001385286.1); c.2846A>G, p.Asp949Gly (NM_001385288.1); c.2855A>G, p.Asp952Gly (NM_001385290.1); short protein forms D947G, D949G, D951G, D948G, D953G, D952G.
Identifiers: ClinVar variation 2090604 (VCV002090604.4), dbSNP rs2475589629, ClinGen allele CA356916154.

ClinVar aggregate classification (germline): Uncertain significance (1 of 4 stars; one submission).

Conditions:
Gastrointestinal stromal tumor. Also called: Gastrointestinal stroma tumor; Gastrointestinal stromal tumor, somatic. Identifiers: Orphanet 44890, MedGen C0238198, MeSH D046152, MONDO:0011719, OMIM 606764, HP:0100723.

Submission:

Labcorp Genetics (formerly Invitae), Labcorp
Classification: Uncertain significance for Gastrointestinal stromal tumor. Last evaluated: 2024-11-09. Review status: criteria provided, single submitter. Criteria: Invitae Variant Classification Sherloc (09022015). Collection method: clinical testing. Allele origin: germline.
Comment: This sequence change replaces aspartic acid, which is acidic and polar, with glycine, which is neutral and non-polar, at codon 952 of the KIT protein (p.Asp952Gly). This variant is not present in population databases (gnomAD no frequency). This variant has not been reported in the literature in individuals affected with KIT-related conditions. ClinVar contains an entry for this variant (Variation ID: 2090604). An algorithm developed to predict the effect of missense changes on protein structure and function (PolyPhen-2) suggests that this variant is likely to be disruptive. In summary, the available evidence is currently insufficient to determine the role of this variant in disease. Therefore, it has been classified as a Variant of Uncertain Significance.